The following is an entry in ClinVar:

ClinVar aggregate classification (germline): Likely benign (1 of 4 stars; one submission).

Conditions:
Neonatal diabetes mellitus with congenital hypothyroidism. Also called: NDH SYNDROME. Identifiers: Orphanet 79118, MedGen C1857775, MONDO:0012436, OMIM 610199.

Allele frequency attached by ClinVar (database versions not stated): gnomAD 0.00307 and 0.00334; 1000 Genomes Project 0.00339; 1000 Genomes Project 30x 0.00344; TOPMed 0.00352.
gnomAD v4.1: 464 of 152,310 alleles (0.3%); highest among the groups gnomAD compares: African/African-American, 1.1%; 6 homozygotes.

Submission:

Illumina Laboratory Services, Illumina
Classification: Likely benign for Neonatal diabetes mellitus with congenital hypothyroidism. Last evaluated: 2018-01-12. Review status: criteria provided, single submitter. Criteria: ICSL Variant Classification Criteria 13 December 2019. Collection method: clinical testing. Allele origin: germline.
Comment: This variant was observed in the ICSL laboratory as part of a predisposition screen in an ostensibly healthy population. It had not been previously curated by ICSL or reported in the Human Gene Mutation Database (HGMD: prior to June 1st, 2018), and was therefore a candidate for classification through an automated scoring system. Utilizing variant allele frequency, disease prevalence and penetrance estimates, and inheritance mode, an automated score was calculated to assess if this variant is too frequent to cause the disease. Based on the score and internal cut-off values, a variant classified as likely benign is not then subjected to further curation. The score for this variant resulted in a classification of likely benign for this disease.

NM_001042413.2(GLIS3):c.*2034T>C

Gene: GLIS3 (GLIS family zinc finger 3; minus strand). Cytogenetic location: 9p24.2.
Variant type: single nucleotide variant.
Coding change: c.*2034T>C on transcript NM_001042413.2 (MANE Select); 2034 bases downstream of the stop codon, T replaced by C.
Molecular consequence: 3 prime UTR variant.
Genome position (GRCh38, 1-based): chr9:3,826,238, A>G on the plus strand (T>C on the coding strand, the complement: GLIS3 is on the minus strand). VCF-style: chr9-3826238-A-G. GRCh37 (hg19) VCF-style: chr9-3826238-A-G.
Other names: c.*2034T>C (NM_152629.4).
Identifiers: ClinVar variation 913094 (VCV000913094.4), dbSNP rs193108375, ClinGen allele CA188255630.